The following is an entry in ClinVar:

NM_000388.4(CASR):c.887G>A (p.Ser296Asn)

Gene: CASR (calcium sensing receptor; plus strand). Cytogenetic location: 3q21.1.
Variant type: single nucleotide variant.
Coding change: c.887G>A on transcript NM_000388.4 (MANE Select); coding-DNA position 887, G replaced by A.
Protein change: p.Ser296Asn; replaces serine 296 with asparagine.
Molecular consequence: missense variant.
Genome position (GRCh38, 1-based): chr3:122,261,922, G>A. VCF-style: chr3-122261922-G-A. GRCh37 (hg19) VCF-style: chr3-121980769-G-A.
Other names: p.Ser296Asn; c.887G>A, p.Ser296Asn (NM_001178065.2); short protein forms S296N.
Identifiers: ClinVar variation 4540913 (VCV004540913.1).

ClinVar aggregate classification (germline): Likely pathogenic (1 of 4 stars; one submission).

Submission:

Mayo Clinic Laboratories, Mayo Clinic
Classification: Likely pathogenic. Last evaluated: 2025-10-16. Review status: criteria provided, single submitter. Criteria: ACMG Guidelines, 2015. Collection method: clinical testing. Allele origin: germline. Observed: 1 variant allele.
Comment: PP2, PM1, PM2_supporting, PS4_moderate

Literature cited by the submitters: PubMed 16147994; PubMed 22422767; PubMed 40417236.